The following is an entry in ClinVar:

NM_006907.4(PYCR1):c.138+2T>G

Gene: PYCR1 (pyrroline-5-carboxylate reductase 1; minus strand). Cytogenetic location: 17q25.3.
Variant type: single nucleotide variant.
Coding change: c.138+2T>G on transcript NM_006907.4 (MANE Select); the canonical splice donor site of the intron after coding-DNA position 138, T replaced by G.
Molecular consequence: splice donor variant.
Genome position (GRCh38, 1-based): chr17:81,936,121, A>C on the plus strand (T>G on the coding strand, the complement: PYCR1 is on the minus strand). VCF-style: chr17-81936121-A-C. GRCh37 (hg19) VCF-style: chr17-79893997-A-C.
Other names: c.138+2T>G (NM_001282279.2, NM_001330523.2, NM_001282280.2 and 1 more transcripts); c.219+2T>G (NM_001282281.2).
Identifiers: ClinVar variation 3662010 (VCV003662010.2).
Genomic context (GRCh38, chr17:81,936,121, plus strand): 5'-CTGCCTCTCACACCCAGCCCCACAGGGACTCAGTCTCCTTTCTCCCTTTCATCTGCACCT[A>C]CCCTGAGAGCAGAAACTGTGGCCAGGTCCATGTCTGGGGAGCTAGCCATTATCTTGTGGG-3'

ClinVar aggregate classification (germline): Pathogenic (1 of 4 stars; one submission).

Submission:

Labcorp Genetics (formerly Invitae), Labcorp
Classification: Pathogenic. Last evaluated: 2024-08-11. Review status: criteria provided, single submitter. Criteria: Invitae Variant Classification Sherloc (09022015). Collection method: clinical testing. Allele origin: germline.
Comment: This sequence change affects a donor splice site in intron 2 of the PYCR1 gene. It is expected to disrupt RNA splicing. Variants that disrupt the donor or acceptor splice site typically lead to a loss of protein function (PMID: 16199547), and loss-of-function variants in PYCR1 are known to be pathogenic (PMID: 19648921). This variant is not present in population databases (gnomAD no frequency). Disruption of this splice site has been observed in individuals with PYCR1-related conditions (PMID: 24035636). Algorithms developed to predict the effect of sequence changes on RNA splicing suggest that this variant may disrupt the consensus splice site. For these reasons, this variant has been classified as Pathogenic.

Literature cited by the submitters: PubMed 16199547; PubMed 19648921; PubMed 24035636.